The following is an entry in ClinVar:

ClinVar aggregate classification (germline): Uncertain significance (1 of 4 stars; one submission).

Allele frequency attached by ClinVar (database versions not stated): gnomAD exomes below 0.00001.
gnomAD v4.1: 2 of 1,614,126 alleles (0.00012%); highest among the groups gnomAD compares: Admixed American, 0.0017%; no homozygotes.

Submission:

Labcorp Genetics (formerly Invitae), Labcorp
Classification: Uncertain significance. Last evaluated: 2024-10-24. Review status: criteria provided, single submitter. Criteria: Invitae Variant Classification Sherloc (09022015). Collection method: clinical testing. Allele origin: germline.
Comment: This sequence change replaces glutamic acid, which is acidic and polar, with alanine, which is neutral and non-polar, at codon 788 of the VLDLR protein (p.Glu788Ala). This variant is not present in population databases (gnomAD no frequency). This variant has not been reported in the literature in individuals affected with VLDLR-related conditions. ClinVar contains an entry for this variant (Variation ID: 1946771). An algorithm developed to predict the effect of missense changes on protein structure and function (PolyPhen-2) suggests that this variant is likely to be tolerated. In summary, the available evidence is currently insufficient to determine the role of this variant in disease. Therefore, it has been classified as a Variant of Uncertain Significance.

NM_003383.5(VLDLR):c.2363A>C (p.Glu788Ala)

Gene: VLDLR (very low density lipoprotein receptor; plus strand). Cytogenetic location: 9p24.2.
Variant type: single nucleotide variant.
Coding change: c.2363A>C on transcript NM_003383.5 (MANE Select); coding-DNA position 2363, A replaced by C.
Protein change: p.Glu788Ala; replaces glutamic acid 788 with alanine.
Molecular consequence: missense variant.
Genome position (GRCh38, 1-based): chr9:2,651,901, A>C. VCF-style: chr9-2651901-A-C. GRCh37 (hg19) VCF-style: chr9-2651901-A-C.
Other names: c.2279A>C, p.Glu760Ala (NM_001018056.3); c.2240A>C, p.Glu747Ala (NM_001322225.2); c.2156A>C, p.Glu719Ala (NM_001322226.2); short protein forms E747A, E719A, E760A, E788A.
Identifiers: ClinVar variation 1946771 (VCV001946771.5), dbSNP rs2488746391, ClinGen allele CA372802331.